The following is an entry in ClinVar:

NM_001267550.2(TTN):c.70457C>T (p.Thr23486Ile)

Genes: TTN (titin; minus strand), TTN-AS1 (TTN antisense RNA 1; plus strand), LOC126806422 (BRD4-independent group 4 enhancer GRCh37_chr2:179440205-179441404; plus strand). Cytogenetic location: 2q31.2.
Variant type: single nucleotide variant.
Coding change: c.70457C>T on transcript NM_001267550.2 (MANE Select); coding-DNA position 70457, C replaced by T.
Protein change: p.Thr23486Ile; replaces threonine 23486 with isoleucine.
Molecular consequence: missense variant.
Genome position (GRCh38, 1-based): chr2:178,575,675, G>A on the plus strand (C>T on the coding strand, the complement: TTN is on the minus strand). VCF-style: chr2-178575675-G-A. GRCh37 (hg19) VCF-style: chr2-179440402-G-A.
Other names: c.65534C>T, p.Thr21845Ile (NM_001256850.1); c.43262C>T, p.Thr14421Ile (NM_003319.4); c.62753C>T, p.Thr20918Ile (NM_133378.4); c.43637C>T, p.Thr14546Ile (NM_133432.3); c.43838C>T, p.Thr14613Ile (NM_133437.4); short protein forms T14421I, T14546I, T14613I, T20918I, T21845I, T23486I.
Identifiers: ClinVar variation 4534941 (VCV004534941.6).

ClinVar aggregate classification (germline): Uncertain significance (1 of 4 stars; one submission).

gnomAD v4.1: 3 of 1,613,584 alleles (0.00019%); highest among the groups gnomAD compares: East Asian, 0.0045%; no homozygotes.

Submission:

CeGaT Center for Human Genetics Tuebingen
Classification: Uncertain significance. Last evaluated: 2025-10-01. Review status: criteria provided, single submitter. Criteria: CeGaT Center For Human Genetics Tuebingen Variant Classification Criteria Version 2. Collection method: clinical testing. Allele origin: germline. Affected: yes. Observed: 1 variant allele.
Comment: TTN: PM2